The following is an entry in ClinVar:

NM_025193.4(HSD3B7):c.890del (p.Phe297fs)

Gene: HSD3B7 (hydroxy-delta-5-steroid dehydrogenase, 3 beta- and steroid delta-isomerase 7; plus strand). Cytogenetic location: 16p11.2.
Variant type: Deletion.
Coding change: c.890del on transcript NM_025193.4 (MANE Select); coding-DNA position 890, one base deleted (T; older notation c.890delT).
Protein change: p.Phe297fs; shifts the reading frame from phenylalanine 297.
Molecular consequence: frameshift variant. On other transcripts: 3 prime UTR variant (2).
Genome position (GRCh38, 1-based): chr16:30,987,963, T deleted; the last of 2 consecutive T bases (chr16:30,987,962-30,987,963); deleting either gives the same sequence. VCF-style (leftmost placement, unchanged base first): chr16-30987961-GT-G. GRCh37 (hg19) VCF-style: chr16-30999282-GT-G.
Other names: c.*136del (NM_001142777.2, NM_001142778.2); c.890delT (NM_025193.3); short protein forms F297fs.
Identifiers: ClinVar variation 286890 (VCV000286890.10), dbSNP rs886043511, ClinGen allele CA10605605.
Genomic context (GRCh38, chr16:30,987,961, plus strand): 5'-GGGCCCCTGCGGACTGCGGCTGGTGGGCGCCCGCCCATTGCTGCCCTACTGGCTGCTGGT[GT>G]TCCTGGCTGCCCTCAATGCCCTGCTGCAGTGGCTGCTGCGGCCACTGGTGCTCTACGCAC-3'

ClinVar aggregate classification (germline): Pathogenic. Review status: criteria provided, multiple submitters, no conflicts (2 of 4 stars). 3 submissions from 3 submitters: Pathogenic (2). 1 of the submissions does not count toward it. Last evaluated 2023-04-07.

Conditions:
HSD3B7-related disorder. Also called: HSD3B7-related condition.

Submissions (3):

Labcorp Genetics (formerly Invitae), Labcorp
Classification: Pathogenic. Last evaluated: 2023-04-07. Review status: criteria provided, single submitter. Criteria: Invitae Variant Classification Sherloc (09022015). Collection method: clinical testing. Allele origin: germline.
Comment: For these reasons, this variant has been classified as Pathogenic. This variant disrupts a region of the HSD3B7 protein in which other variant(s) (p.Leu347Valfs*6) have been determined to be pathogenic (PMID: 12679481). This suggests that this is a clinically significant region of the protein, and that variants that disrupt it are likely to be disease-causing. ClinVar contains an entry for this variant (Variation ID: 286890). This variant has not been reported in the literature in individuals affected with HSD3B7-related conditions. This variant is not present in population databases (gnomAD no frequency). This sequence change creates a premature translational stop signal (p.Phe297Serfs*23) in the HSD3B7 gene. While this is not anticipated to result in nonsense mediated decay, it is expected to disrupt the last 73 amino acid(s) of the HSD3B7 protein.

Eurofins Ntd Llc (ga)
Classification: Pathogenic. Last evaluated: 2016-03-14. Review status: criteria provided, single submitter. Criteria: EGL Classification Definitions 2015. Collection method: clinical testing. Allele origin: germline.

PreventionGenetics, part of Exact Sciences
Classification: Likely pathogenic for HSD3B7-related condition. Last evaluated: 2024-08-14. Review status: no assertion criteria provided. Collection method: clinical testing. Allele origin: germline. Not counted in ClinVar's aggregate classification.
Comment: The HSD3B7 c.890delT variant is predicted to result in a frameshift and premature protein termination (p.Phe297Serfs*23). This variant has been reported in the homozygous state in twins with HSD3B7 deficiency (Ahmad. 2018. PubMed ID: 30746501). This variant has not been reported in a large population database, indicating this variant is rare. Frameshift variants in HSD3B7 are expected to be pathogenic. This variant is interpreted as likely pathogenic.

Literature cited by the submitters: PubMed 12679481 (cited by Labcorp Genetics (formerly Invitae), Labcorp).